The following is an entry in ClinVar:

ClinVar aggregate classification (germline): Uncertain significance (3 of 4 stars; one submission).

Conditions:
Phenylketonuria (PKU). Also called: OLIGOPHRENIA PHENYLPYRUVICA; Phenylketonuria (PKU); Phenylketonurias; FOLLING DISEASE. Identifiers: Orphanet 716, MedGen C0031485, MONDO:0009861, OMIM 261600. Disease mechanism: loss of function.

Submission:

ClinGen PAH Variant Curation Expert Panel
Classification: Uncertain significance for Phenylketonuria. Last evaluated: 2020-08-24. Review status: reviewed by expert panel. Criteria: ClinGen PAH ACMG Specifications v1. Collection method: curation. Allele origin: germline. Inheritance: Autosomal recessive inheritance.
Comment: The c.1166C>G (p.Ala389Gly) variant in PAH has been reported in 1 non-English article that is not accessible. This variant is absent from population databases (PM2), and is predicted deleterious by SIFT, PolyPhen2, MutationTaster, and REVEL = 0.954 (PP3). In summary, this variant meets criteria to be classified as uncertain significance for PAH. PAH-specific ACMG/AMP criteria applied: PM2, PP3.

NM_000277.3(PAH):c.1166C>G (p.Ala389Gly)

Gene: PAH (phenylalanine hydroxylase; minus strand). Cytogenetic location: 12q23.2.
Variant type: single nucleotide variant.
Coding change: c.1166C>G on transcript NM_000277.3 (MANE Select); coding-DNA position 1166, C replaced by G.
Protein change: p.Ala389Gly; replaces alanine 389 with glycine.
Molecular consequence: missense variant.
Genome position (GRCh38, 1-based): chr12:102,843,679, G>C on the plus strand (C>G on the coding strand, the complement: PAH is on the minus strand). VCF-style: chr12-102843679-G-C. GRCh37 (hg19) VCF-style: chr12-103237457-G-C.
Other names: c.1166C>G, p.Ala389Gly (NM_001354304.2); short protein forms A389G.
Identifiers: ClinVar variation 987753 (VCV000987753.1), dbSNP rs1874688379, ClinGen allele CA16020955.